The following is an entry in ClinVar:

NM_003334.4(UBA1):c.2933A>G (p.Tyr978Cys)

Gene: UBA1 (ubiquitin like modifier activating enzyme 1; plus strand). Cytogenetic location: Xp11.3.
Variant type: single nucleotide variant.
Coding change: c.2933A>G on transcript NM_003334.4 (MANE Select); coding-DNA position 2933, A replaced by G.
Protein change: p.Tyr978Cys; replaces tyrosine 978 with cysteine.
Molecular consequence: missense variant.
Genome position (GRCh38, 1-based): chrX:47,214,421, A>G. VCF-style: chrX-47214421-A-G. GRCh37 (hg19) VCF-style: chrX-47073820-A-G.
Other names: c.2933A>G, p.Tyr978Cys (NM_153280.3); short protein forms Y978C.
Identifiers: ClinVar variation 1016899 (VCV001016899.12), dbSNP rs782527493, ClinGen allele CA10396227.

ClinVar aggregate classification (germline): Conflicting classifications of pathogenicity. Review status: criteria provided, conflicting classifications (1 of 4 stars). 4 submissions from 4 submitters: Uncertain significance (3); Likely benign (1). Last evaluated 2025-11-24.

Conditions:
Inborn genetic diseases. Identifiers: MedGen C0950123, MeSH D030342.
Infantile-onset X-linked spinal muscular atrophy. Also called: AMC, DISTAL, X-LINKED; ARTHROGRYPOSIS, X-LINKED, TYPE I; Spinal muscular atrophy, X-linked 2; Spinal Muscular Atrophy, X-Linked Infantile; SPINAL MUSCULAR ATROPHY, X-LINKED LETHAL INFANTILE. Identifiers: Orphanet 1145, MedGen C1844934, MONDO:0010532, OMIM 301830.
UBA1-related disorder. Also called: UBA1-related condition.

Allele frequency attached by ClinVar (database versions not stated): gnomAD 0.00001; TOPMed 0.00001; ExAC 0.00002; gnomAD exomes 0.00002 and 0.00005.
gnomAD v4.1: 52 of 1,208,372 alleles (0.0043%); highest among the groups gnomAD compares: Non-Finnish European, 0.0056%; no homozygotes.

Submissions (4):

Labcorp Genetics (formerly Invitae), Labcorp
Classification: Uncertain significance for Infantile-onset X-linked spinal muscular atrophy. Last evaluated: 2025-11-24. Review status: criteria provided, single submitter. Criteria: Invitae Variant Classification Sherloc (09022015). Collection method: clinical testing. Allele origin: germline.
Comment: This sequence change replaces tyrosine, which is neutral and polar, with cysteine, which is neutral and slightly polar, at codon 978 of the UBA1 protein (p.Tyr978Cys). This variant is present in population databases (rs782527493, gnomAD 0.003%). This variant has not been reported in the literature in individuals affected with UBA1-related conditions. ClinVar contains an entry for this variant (Variation ID: 1016899). An algorithm developed to predict the effect of missense changes on protein structure and function (PolyPhen-2) suggests that this variant is likely to be disruptive. In summary, the available evidence is currently insufficient to determine the role of this variant in disease. Therefore, it has been classified as a Variant of Uncertain Significance.

PreventionGenetics, part of Exact Sciences
Classification: Uncertain significance for UBA1-related condition. Last evaluated: 2025-09-29. Review status: criteria provided, single submitter. Criteria: ACMG Guidelines, 2015. Collection method: clinical testing. Allele origin: germline.
Comment: The UBA1 c.2933A>G variant is predicted to result in the amino acid substitution p.Tyr978Cys. To our knowledge, this variant has not been reported in the literature. This variant is reported in 0.0053% of alleles in individuals of African descent in gnomAD. At this time, the clinical significance of this variant is uncertain due to the absence of conclusive functional and genetic evidence.

Laboratory of Genetics, Children's Clinical University Hospital Latvia
Classification: Likely benign. Last evaluated: 2025-02-16. Review status: criteria provided, single submitter. Criteria: ACMG Guidelines, 2015. Collection method: clinical testing. Allele origin: germline. Affected: yes.

Ambry Genetics
Classification: Uncertain significance for Inborn genetic diseases. Last evaluated: 2022-05-13. Review status: criteria provided, single submitter. Criteria: Ambry Variant Classification Scheme 2023. Collection method: clinical testing. Allele origin: germline.
Comment: The p.Y978C variant (also known as c.2933A>G), located in coding exon 23 of the UBA1 gene, results from an A to G substitution at nucleotide position 2933. The tyrosine at codon 978 is replaced by cysteine, an amino acid with highly dissimilar properties. Based on data from gnomAD, the G allele has an overall frequency of 0.002% (4/204944) total alleles studied, with no hemizygote(s) observed. The highest observed frequency was 0.005% (1/18838) of African/African American alleles. This amino acid position is conserved. In addition, this alteration is predicted to be tolerated by in silico analysis. Since supporting evidence is limited at this time, the clinical significance of this alteration remains unclear.